The following is an entry in ClinVar:

NM_002335.4(LRP5):c.4277A>G (p.Tyr1426Cys)

Gene: LRP5 (LDL receptor related protein 5; plus strand). Cytogenetic location: 11q13.2.
Variant type: single nucleotide variant.
Coding change: c.4277A>G on transcript NM_002335.4 (MANE Select); coding-DNA position 4277, A replaced by G.
Protein change: p.Tyr1426Cys; replaces tyrosine 1426 with cysteine.
Molecular consequence: missense variant.
Genome position (GRCh38, 1-based): chr11:68,438,611, A>G. VCF-style: chr11-68438611-A-G. GRCh37 (hg19) VCF-style: chr11-68206079-A-G.
Other names: c.2534A>G, p.Tyr845Cys (NM_001291902.2); c.4277A>G (NM_002335.2); short protein forms Y1426C, Y845C.
Identifiers: ClinVar variation 1399063 (VCV001399063.11), dbSNP rs931583330, ClinGen allele CA224254755.

ClinVar aggregate classification (germline): Uncertain significance. Review status: criteria provided, multiple submitters, no conflicts (2 of 4 stars). 4 submissions from 4 submitters: Uncertain significance (4). Last evaluated 2026-05-20.

Conditions:
Autosomal dominant osteopetrosis 1 (OPTA1). Also called: OSTEOPETROSIS, AUTOSOMAL DOMINANT, TYPE I. Identifiers: Orphanet 2783, MedGen C1843330, MONDO:0011877, OMIM 607634.
Inborn genetic diseases. Identifiers: MedGen C0950123, MeSH D030342.
Exudative vitreoretinopathy 4 (EVR4). Identifiers: Orphanet 891, MedGen C1866176, MONDO:0011151, OMIM 601813.
Bone mineral density quantitative trait locus 1 (BMND1). Identifiers: MedGen C1866079, OMIM 601884.
Worth disease. Also called: ENDOSTEAL HYPEROSTOSIS, AUTOSOMAL DOMINANT; OSTEOSCLEROSIS, AUTOSOMAL DOMINANT; Autosomal dominant osteosclerosis, Worth type. Identifiers: Orphanet 2790, MedGen C0432273, MONDO:0007764, OMIM 144750.
Exudative vitreoretinopathy 1 (EVR1). Also called: CRISWICK-SCHEPENS SYNDROME; FEVR, AUTOSOMAL DOMINANT; Familial exudative vitreoretinopathy, autosomal dominant. Identifiers: Orphanet 891, Orphanet 90050, MedGen C1851402, MONDO:0007589, OMIM 133780.
Osteoporosis with pseudoglioma (OPPG). Also called: osteoporosis-pseudoglioma syndrome. Identifiers: Orphanet 2788, MedGen C0432252, MONDO:0009820, OMIM 259770.
Polycystic liver disease 4 with or without kidney cysts. Identifiers: MedGen C4693479, MONDO:0044327, OMIM 617875.
Osteoporosis. Identifiers: MedGen C0029456, MONDO:0005298, OMIM 166710, HP:0000939.

Allele frequency attached by ClinVar (database versions not stated): gnomAD 0.00001; TOPMed 0.00001; gnomAD exomes below 0.00001.
gnomAD v4.1: 6 of 1,613,740 alleles (0.00037%); highest among the groups gnomAD compares: East Asian, 0.0022%; no homozygotes.

Submissions (4):

MVZ Martinsried, Medicover Genetics
Classification: Uncertain significance for Autosomal dominant osteopetrosis 1. Last evaluated: 2026-05-20. Review status: criteria provided, single submitter. Criteria: ACGS Guidelines, 2020. Collection method: clinical testing. Allele origin: unknown. Affected: yes. Observed: 1 heterozygote.

Ambry Genetics
Classification: Uncertain significance for Inborn genetic diseases. Last evaluated: 2026-03-12. Review status: criteria provided, single submitter. Criteria: Ambry Variant Classification Scheme 2023. Collection method: clinical testing. Allele origin: germline.

Labcorp Genetics (formerly Invitae), Labcorp
Classification: Uncertain significance. Last evaluated: 2022-05-04. Review status: criteria provided, single submitter. Criteria: Invitae Variant Classification Sherloc (09022015). Collection method: clinical testing. Allele origin: germline.
Comment: This variant is present in population databases (no rsID available, gnomAD 0.0009%). This sequence change replaces tyrosine, which is neutral and polar, with cysteine, which is neutral and slightly polar, at codon 1426 of the LRP5 protein (p.Tyr1426Cys). This variant has not been reported in the literature in individuals affected with LRP5-related conditions. In summary, the available evidence is currently insufficient to determine the role of this variant in disease. Therefore, it has been classified as a Variant of Uncertain Significance. Algorithms developed to predict the effect of missense changes on protein structure and function (SIFT, PolyPhen-2, Align-GVGD) all suggest that this variant is likely to be disruptive.

Fulgent Genetics
Classification: Uncertain significance for Exudative vitreoretinopathy 1; Worth disease; Osteoporosis; Osteoporosis with pseudoglioma; Exudative vitreoretinopathy 4; Bone mineral density quantitative trait locus 1; Autosomal dominant osteopetrosis 1; Polycystic liver disease 4 with or without kidney cysts. Last evaluated: 2022-03-02. Review status: criteria provided, single submitter. Criteria: ACMG Guidelines, 2015. Collection method: clinical testing. Allele origin: unknown.